The following is an entry in ClinVar:

ClinVar aggregate classification (germline): Pathogenic (1 of 4 stars; one submission).

Conditions:
Predisposition to Wilms tumor.

Submission:

St. Jude Molecular Pathology, St. Jude Children's Research Hospital
Classification: Pathogenic for Predisposition to Wilms tumor. Last evaluated: 2026-10-01. Review status: criteria provided, single submitter. Criteria: St. Jude Assertion Criteria 2020. Collection method: clinical testing. Allele origin: germline.
Comment: The TRIM28 c.1835C>A p.(Ser612Ter) change is a nonsense variant that is predicted to cause premature protein truncation or absence of protein due to nonsense-mediated decay. It is also absent in gnomAD v2.1.1. In summary, this variant meets criteria to be classified as pathogenic.

NM_005762.3(TRIM28):c.1835C>A (p.Ser612Ter)

Gene: TRIM28 (tripartite motif containing 28; plus strand). Cytogenetic location: 19q13.43.
Variant type: single nucleotide variant.
Coding change: c.1835C>A on transcript NM_005762.3 (MANE Select); coding-DNA position 1835, C replaced by A.
Protein change: p.Ser612Ter; replaces serine 612 with a stop codon.
Molecular consequence: nonsense.
Genome position (GRCh38, 1-based): chr19:58,549,503, C>A. VCF-style: chr19-58549503-C-A. GRCh37 (hg19) VCF-style: chr19-59060870-C-A.
Other names: short protein forms S612*.
Identifiers: ClinVar variation 5038349 (VCV005038349.1).
Genomic context (GRCh38, chr19:58,549,503, plus strand): 5'-TGGCCTCACCTAGTGGCAGCACCAGCTCAGGGCTGGAGGTGGTGGCTCCTGAGGGTACCT[C>A]AGCCCCAGGTGGTGGCCCGGGAACCCTGGATGACAGTGCCACCATTTGCCGTGTCTGCCA-3'